The following is an entry in ClinVar:

ClinVar aggregate classification (germline): Likely benign (1 of 4 stars; one submission).

Conditions:
Familial colorectal cancer type X. Identifiers: Orphanet 440437, MedGen C3896578, MONDO:0018604.

gnomAD v4.1: 7 of 1,352,500 alleles (0.00052%); highest among the groups gnomAD compares: African/African-American, 0.0043%; no homozygotes.

Submission:

Myriad Genetics, Inc.
Classification: Likely benign for Familial colorectal cancer type X. Last evaluated: 2026-07-31. Review status: criteria provided, single submitter. Criteria: Myriad Autosomal Dominant, Autosomal Recessive and X-Linked Classification Criteria (2023). Collection method: clinical testing. Allele origin: unknown.
Comment: This variant is considered likely benign. This variant is intronic and is not expected to impact mRNA splicing.

NM_001146227.3(RPS20):c.334-18A>G

Gene: RPS20 (ribosomal protein S20; minus strand). Cytogenetic location: 8q12.1.
Variant type: single nucleotide variant.
Coding change: c.334-18A>G on transcript NM_001146227.3; 18 bases into the intron before coding-DNA position 334, A replaced by G.
Molecular consequence: intron variant.
Genome position (GRCh38, 1-based): chr8:56,069,851, T>C on the plus strand (A>G on the coding strand, the complement: RPS20 is on the minus strand). VCF-style: chr8-56069851-T-C. GRCh37 (hg19) VCF-style: chr8-56982410-T-C.
Identifiers: ClinVar variation 5042101 (VCV005042101.1).
Genomic context (GRCh38, chr8:56,069,851, plus strand): 5'-GGCCCTCTGTATCCATGGGTTCTGCATCTGTAGATTCGATCAACTGTAGATCAAAAGTAT[T>C]CAGAAAAAAAATTGTCTCTACTGCACATGTATAGACATTCTTTTTCTTGTCATTATTCCC-3'